The following is an entry in ClinVar:

ClinVar aggregate classification (germline): Uncertain significance (1 of 4 stars; one submission).

gnomAD v4.1: 1 of 1,549,392 alleles (0.000065%); no homozygotes.

Submission:

Dasa
Classification: Uncertain significance. Last evaluated: 2025-09-03. Review status: criteria provided, single submitter. Criteria: DASA Assertion Criteria. Collection method: clinical testing. Allele origin: germline.
Comment: NM_001371986.1(UNC80):c.5528A>G (p.Glu1843Gly) is a missense variant that results in the substitution of glutamic acid with glycine. This variant is rare in population databases. The currently available literature and clinical evidence are not sufficient to establish a definitive association between this variant and the reported condition. Therefore, this variant is classified as a variant of uncertain significance.

NM_001371986.1(UNC80):c.5528A>G (p.Glu1843Gly)

Gene: UNC80 (unc-80 subunit of NALCN channel complex; plus strand). Cytogenetic location: 2q34.
Variant type: single nucleotide variant.
Coding change: c.5528A>G on transcript NM_001371986.1 (MANE Select); coding-DNA position 5528, A replaced by G.
Protein change: p.Glu1843Gly; replaces glutamic acid 1843 with glycine.
Molecular consequence: missense variant.
Genome position (GRCh38, 1-based): chr2:209,921,684, A>G. VCF-style: chr2-209921684-A-G. GRCh37 (hg19) VCF-style: chr2-210786408-A-G.
Other names: c.5330A>G, p.Glu1777Gly (NM_032504.2); c.5315A>G, p.Glu1772Gly (NM_182587.4); short protein forms E1772G, E1777G, E1843G.
Identifiers: ClinVar variation 4881873 (VCV004881873.2).